The following is an entry in ClinVar:

NM_138694.4(PKHD1):c.3835G>A (p.Ala1279Thr)

Gene: PKHD1 (PKHD1 ciliary IPT domain containing fibrocystin/polyductin; minus strand). Cytogenetic location: 6p12.2.
Variant type: single nucleotide variant.
Coding change: c.3835G>A on transcript NM_138694.4 (MANE Select); coding-DNA position 3835, G replaced by A.
Protein change: p.Ala1279Thr; replaces alanine 1279 with threonine.
Molecular consequence: missense variant.
Genome position (GRCh38, 1-based): chr6:52,025,975, C>T on the plus strand (G>A on the coding strand, the complement: PKHD1 is on the minus strand). VCF-style: chr6-52025975-C-T. GRCh37 (hg19) VCF-style: chr6-51890773-C-T.
Other names: c.3835G>A, p.Ala1279Thr (NM_170724.3); short protein forms A1279T.
Identifiers: ClinVar variation 597408 (VCV000597408.27), dbSNP rs201611688, ClinGen allele CA3852827.

ClinVar aggregate classification (germline): Conflicting classifications of pathogenicity. Review status: criteria provided, conflicting classifications (1 of 4 stars). 6 submissions from 6 submitters: Uncertain significance (1); Benign (1); Likely benign (2). 2 of the submissions do not count toward it. Last evaluated 2026-01-26.

Conditions:
Polycystic kidney disease 4 (PKD4). Also called: POLYCYSTIC KIDNEY DISEASE 4 WITH OR WITHOUT POLYCYSTIC LIVER DISEASE; PKD3; POLYCYSTIC KIDNEY AND HEPATIC DISEASE 1; POLYCYSTIC KIDNEY DISEASE, INFANTILE, TYPE I; Autosomal Recessive Polycystic Kidney Disease – PKHD1. Identifiers: MedGen C4540575, MONDO:0033004, OMIM 263200.
Autosomal recessive polycystic kidney disease (ARPKD). Also called: AR polycystic kidney disease. Identifiers: Orphanet 731, Orphanet 8378, MedGen C0085548, MeSH D017044, MONDO:0009889.
PKHD1-related disorder. Also called: PKHD1-related condition.

Allele frequency attached by ClinVar (database versions not stated): ESP Exome Variant Server 0.00008; gnomAD 0.00009 and 0.00003; gnomAD exomes 0.00029 and 0.00063; ExAC 0.00070; 1000 Genomes Project 30x 0.00125; 1000 Genomes Project 0.00140; TOPMed 0.00007.
gnomAD v4.1: 439 of 1,614,078 alleles (0.027%); highest among the groups gnomAD compares: South Asian, 0.44%; 6 homozygotes.

Submissions (6):

Labcorp Genetics (formerly Invitae), Labcorp
Classification: Benign for Autosomal recessive polycystic kidney disease. Last evaluated: 2026-01-26. Review status: criteria provided, single submitter. Criteria: Invitae Variant Classification Sherloc (09022015). Collection method: clinical testing. Allele origin: germline.

Department of Pathology and Laboratory Medicine, Sinai Health System
Classification: Likely benign for Polycystic kidney disease 4. Last evaluated: 2023-10-02. Review status: criteria provided, single submitter. Criteria: ACMG Guidelines, 2015. Collection method: clinical testing. Allele origin: germline. Affected: yes.

Eurofins Ntd Llc (ga)
Classification: Likely benign. Last evaluated: 2018-05-31. Review status: criteria provided, single submitter. Criteria: EGL ClinVar v180209 classification definitions. Collection method: clinical testing. Allele origin: germline. Observed: 2 variant alleles, 2 heterozygotes.

Illumina Laboratory Services, Illumina
Classification: Uncertain significance for Polycystic kidney disease 4. Last evaluated: 2018-01-12. Review status: criteria provided, single submitter. Criteria: ICSL Variant Classification Criteria 13 December 2019. Collection method: clinical testing. Allele origin: germline.

PreventionGenetics, part of Exact Sciences
Classification: Likely benign for PKHD1-related condition. Last evaluated: 2021-02-25. Review status: no assertion criteria provided. Collection method: clinical testing. Allele origin: germline. Not counted in ClinVar's aggregate classification.
Comment: This variant is classified as likely benign based on ACMG/AMP sequence variant interpretation guidelines (Richards et al. 2015 PMID: 25741868, with internal and published modifications).

Natera, Inc.
Classification: Likely benign for Autosomal recessive polycystic kidney disease. Last evaluated: 2017-05-10. Review status: no assertion criteria provided. Collection method: clinical testing. Allele origin: germline. Not counted in ClinVar's aggregate classification.